The following is an entry in ClinVar:

ClinVar aggregate classification (germline): Uncertain significance (1 of 4 stars; one submission).

Submission:

Ambry Genetics
Classification: Uncertain significance. Last evaluated: 2025-04-07. Review status: criteria provided, single submitter. Criteria: Ambry Variant Classification Scheme 2023. Collection method: clinical testing. Allele origin: germline.
Comment: The p.E566Q variant (also known as c.1696G>C), located in coding exon 13 of the GEN1 gene, results from a G to C substitution at nucleotide position 1696. The glutamic acid at codon 566 is replaced by glutamine, an amino acid with highly similar properties. This amino acid position is conserved. In addition, this alteration is predicted to be tolerated by in silico analysis. Based on the available evidence, the clinical significance of this variant remains unclear.

NM_001130009.3(GEN1):c.1696G>C (p.Glu566Gln)

Gene: GEN1 (GEN1 Holliday junction 5' flap endonuclease; plus strand). Cytogenetic location: 2p24.2.
Variant type: single nucleotide variant.
Coding change: c.1696G>C on transcript NM_001130009.3 (MANE Select); coding-DNA position 1696, G replaced by C.
Protein change: p.Glu566Gln; replaces glutamic acid 566 with glutamine.
Molecular consequence: missense variant.
Genome position (GRCh38, 1-based): chr2:17,780,908, G>C. VCF-style: chr2-17780908-G-C. GRCh37 (hg19) VCF-style: chr2-17962175-G-C.
Other names: c.1696G>C, p.Glu566Gln (NM_182625.5); short protein forms E566Q.
Identifiers: ClinVar variation 4029211 (VCV004029211.1).
Genomic context (GRCh38, chr2:17,780,908, plus strand): 5'-TCTTCTCTAAGACCTTTGGCTATACAGCAAATTAAAGCTGTCAGTAAGTCTCTAATTTCA[G>C]AATCTAGTCAACCCAATACCTCATCTCATAATATATCCGTGATTGCTGATCTACACTTGA-3'
Protein context (NP_001123481.3, residues 556-576): IKAVSKSLIS[Glu566Gln]SSQPNTSSHN